The following is an entry in ClinVar:

NM_000651.6(CR1):c.5604C>T (p.Val1868=)

Gene: CR1 (complement C3b/C4b receptor 1 (Knops blood group); plus strand). Cytogenetic location: 1q32.2.
Variant type: single nucleotide variant.
Coding change: c.5604C>T on transcript NM_000651.6 (MANE Select); coding-DNA position 5604, C replaced by T.
Protein change: p.Val1868=; no amino-acid change (valine 1868 retained).
Molecular consequence: synonymous variant.
Genome position (GRCh38, 1-based): chr1:207,587,459, C>T. VCF-style: chr1-207587459-C-T. GRCh37 (hg19) VCF-style: chr1-207760804-C-T.
Other names: c.4254C>T, p.Val1418= (NM_001381851.1, NM_000573.4).
Identifiers: ClinVar variation 2639874 (VCV002639874.24), dbSNP rs12144461, ClinGen allele CA1370216.

ClinVar aggregate classification (germline): Benign (1 of 4 stars; one submission).

Allele frequency attached by ClinVar (database versions not stated): 1000 Genomes Project 30x 0.00281; 1000 Genomes Project 0.00300; TOPMed 0.00660; ExAC 0.00751; ESP Exome Variant Server 0.00779; gnomAD 0.00814.
gnomAD v4.1: 16,064 of 1,613,872 alleles (1%); highest among the groups gnomAD compares: Non-Finnish European, 1.1%; 110 homozygotes.

Submission:

CeGaT Center for Human Genetics Tuebingen
Classification: Benign. Last evaluated: 2024-10-01. Review status: criteria provided, single submitter. Criteria: CeGaT Center For Human Genetics Tuebingen Variant Classification Criteria Version 2. Collection method: clinical testing. Allele origin: germline. Affected: yes. Observed: 2 variant alleles.
Comment: CR1: BP4, BP7, BS1, BS2